The following is an entry in ClinVar:

NM_000020.3(ACVRL1):c.1036_1048+7dup

Gene: ACVRL1 (activin A receptor like type 1; plus strand). Cytogenetic location: 12q13.13.
Variant type: Duplication.
Coding change: c.1036_1048+7dup on transcript NM_000020.3 (MANE Select); coding-DNA position 1036 through 7 bases into the intron after coding-DNA position 1048, 20 bases duplicated (ATCGCCGACCTGGGTGAGCC).
Molecular consequence: splice donor variant.
Genome position (GRCh38, 1-based): chr12:51,915,488-51,915,507, ATCGCCGACCTGGGTGAGCC duplicated; duplicating any 20 consecutive bases within chr12:51,915,487-51,915,507 gives the same sequence; the c. name uses the placement nearest the transcript's 3' end. VCF-style (leftmost placement, unchanged base first): chr12-51915486-G-GCATCGCCGACCTGGGTGAGC. GRCh37 (hg19) VCF-style: chr12-52309270-G-GCATCGCCGACCTGGGTGAGC.
Other names: c.1036_1048+7dup (NM_001406487.1, NM_001406488.1, NM_001077401.2 and 1 more transcripts); c.724_736+7dup (NM_001406491.1, NM_001406490.1, NM_001406492.1 and 2 more transcripts); c.472_484+7dup (NM_001406495.1).
Identifiers: ClinVar variation 3625158 (VCV003625158.2).

ClinVar aggregate classification (germline): Uncertain significance (1 of 4 stars; one submission).

Conditions:
Telangiectasia, hereditary hemorrhagic, type 2 (HHT2). Also called: Telangiectasia, hereditary hemorrhagic, type II; ACVRL1-Related Hereditary Hemorrhagic Telangiectasia. Identifiers: Orphanet 774, MedGen C1838163, MONDO:0010880, OMIM 600376. Disease mechanism: loss of function.

Submission:

Labcorp Genetics (formerly Invitae), Labcorp
Classification: Uncertain significance for Telangiectasia, hereditary hemorrhagic, type 2. Last evaluated: 2024-06-30. Review status: criteria provided, single submitter. Criteria: Invitae Variant Classification Sherloc (09022015). Collection method: clinical testing. Allele origin: germline.
Comment: This sequence change falls in intron 7 of the ACVRL1 gene. It does not directly change the encoded amino acid sequence of the ACVRL1 protein. This variant is not present in population databases (gnomAD no frequency). This variant has not been reported in the literature in individuals affected with ACVRL1-related conditions. Experimental studies and prediction algorithms are not available or were not evaluated, and the effect of this variant on mRNA splicing is currently unknown. In summary, the available evidence is currently insufficient to determine the role of this variant in disease. Therefore, it has been classified as a Variant of Uncertain Significance.